The following is an entry in ClinVar:

NM_001252024.2(TRPM1):c.233A>G (p.Tyr78Cys)

Gene: TRPM1 (transient receptor potential cation channel subfamily M member 1; minus strand). Cytogenetic location: 15q13.3.
Variant type: single nucleotide variant.
Coding change: c.233A>G on transcript NM_001252024.2 (MANE Select); coding-DNA position 233, A replaced by G.
Protein change: p.Tyr78Cys; replaces tyrosine 78 with cysteine.
Molecular consequence: missense variant.
Genome position (GRCh38, 1-based): chr15:31,070,077, T>C on the plus strand (A>G on the coding strand, the complement: TRPM1 is on the minus strand). VCF-style: chr15-31070077-T-C. GRCh37 (hg19) VCF-style: chr15-31362280-T-C.
Other names: c.284A>G, p.Tyr95Cys (NM_001252020.2); c.167A>G, p.Tyr56Cys (NM_001252030.2, NM_002420.6); short protein forms Y56C, Y78C, Y95C.
Identifiers: ClinVar variation 1703948 (VCV001703948.3), dbSNP rs2034491391, ClinGen allele CA391537025.

ClinVar aggregate classification (germline): Conflicting classifications of pathogenicity. Review status: criteria provided, conflicting classifications (1 of 4 stars). 2 submissions from 2 submitters: Likely pathogenic (1); Uncertain significance (1). Last evaluated 2023-11-30.

Allele frequency attached by ClinVar (database versions not stated): TOPMed below 0.00001; gnomAD exomes 0.00001.
gnomAD v4.1: 11 of 1,614,190 alleles (0.00068%); highest among the groups gnomAD compares: Non-Finnish European, 0.00093%; no homozygotes.

Submissions (2):

Blueprint Genetics
Classification: Uncertain significance. Last evaluated: 2023-11-30. Review status: criteria provided, single submitter. Criteria: ACMG Guidelines, 2015. Collection method: clinical testing. Allele origin: germline.

GeneDx
Classification: Likely pathogenic. Last evaluated: 2022-03-01. Review status: criteria provided, single submitter. Criteria: GeneDx Variant Classification Process June 2021. Collection method: clinical testing. Allele origin: germline. Affected: yes.
Comment: Not observed at significant frequency in large population cohorts (gnomAD); In silico analysis supports that this missense variant has a deleterious effect on protein structure/function; Identified in a patient with features of complete congenital stationary night blindness in the literature, although no other variant in the TRPM1 was found in this patient (Li et al., 2009); This variant is associated with the following publications: (PMID: 19878917)